The following is an entry in ClinVar:

ClinVar aggregate classification (germline): Uncertain significance. Review status: criteria provided, multiple submitters, no conflicts (2 of 4 stars). 2 submissions from 2 submitters: Uncertain significance (2). Last evaluated 2024-06-12.

Conditions:
Malignant hyperthermia, susceptibility to, 5 (MHS5). Also called: CACNA1S-Related Malignant Hyperthermia Susceptibility. Identifiers: Orphanet 423, MedGen C1866077, MONDO:0011163, OMIM 601887.
Congenital myopathy 18. Also called: Myopathy, congenital, due to dihydropyridine receptor defect; DIHYDROPYRIDINE RECEPTOR CONGENITAL MYOPATHY; DHPR CONGENITAL MYOPATHY. Identifiers: MedGen C5830283, MONDO:0859514, OMIM 620246.
Hypokalemic periodic paralysis, type 1. Also called: HypoPP; Hypokalemic Periodic Paralysis Type 1 (AD). Identifiers: Orphanet 681, MedGen C3714580, MONDO:0042979, OMIM 170400.
Thyrotoxic periodic paralysis, susceptibility to, 1 (TTPP1). Identifiers: Orphanet 79102, MedGen C2749982, MONDO:0008570, OMIM 188580.

Submissions (2):

Fulgent Genetics
Classification: Uncertain significance for Hypokalemic periodic paralysis, type 1; Thyrotoxic periodic paralysis, susceptibility to, 1; Malignant hyperthermia, susceptibility to, 5; Congenital myopathy 18. Last evaluated: 2024-06-12. Review status: criteria provided, single submitter. Criteria: ACMG Guidelines, 2015. Collection method: clinical testing. Allele origin: germline.

Labcorp Genetics (formerly Invitae), Labcorp
Classification: Uncertain significance for Hypokalemic periodic paralysis, type 1; Malignant hyperthermia, susceptibility to, 5. Last evaluated: 2022-10-03. Review status: criteria provided, single submitter. Criteria: Invitae Variant Classification Sherloc (09022015). Collection method: clinical testing. Allele origin: germline.
Comment: In summary, the available evidence is currently insufficient to determine the role of this variant in disease. Therefore, it has been classified as a Variant of Uncertain Significance. Variants that disrupt the consensus splice site are a relatively common cause of aberrant splicing (PMID: 17576681, 9536098). Algorithms developed to predict the effect of sequence changes on RNA splicing suggest that this variant may disrupt the consensus splice site. This variant has not been reported in the literature in individuals affected with CACNA1S-related conditions. This variant is not present in population databases (gnomAD no frequency). This sequence change falls in intron 8 of the CACNA1S gene. It does not directly change the encoded amino acid sequence of the CACNA1S protein. It affects a nucleotide within the consensus splice site.

Literature cited by the submitters: PubMed 17576681 (cited by Labcorp Genetics (formerly Invitae), Labcorp); PubMed 9536098 (cited by Labcorp Genetics (formerly Invitae), Labcorp).

NM_000069.3(CACNA1S):c.1150+6G>T

Gene: CACNA1S (calcium voltage-gated channel subunit alpha1 S; minus strand). Cytogenetic location: 1q32.1.
Variant type: single nucleotide variant.
Coding change: c.1150+6G>T on transcript NM_000069.3 (MANE Select); 6 bases into the intron after coding-DNA position 1150, G replaced by T.
Molecular consequence: intron variant.
Genome position (GRCh38, 1-based): chr1:201,085,430, C>A on the plus strand (G>T on the coding strand, the complement: CACNA1S is on the minus strand). VCF-style: chr1-201085430-C-A. GRCh37 (hg19) VCF-style: chr1-201054558-C-A.
Identifiers: ClinVar variation 2191317 (VCV002191317.5), dbSNP rs2464598371, ClinGen allele CA2580061863.
Genomic context (GRCh38, chr1:201,085,430, plus strand): 5'-AGGTATGACTCAGAGGTGGGAGTGAGAGAGTGGGGTGAGTGCTGACCACAGCCTTTGGGC[C>A]CAAACCTTCTCTGAAGTCCTCAACATCCATGACCTCGCCCTGCGTGATCCAGCTCATGTA-3'